The following is an entry in ClinVar:

ClinVar aggregate classification (germline): Uncertain significance. Review status: criteria provided, multiple submitters, no conflicts (2 of 4 stars). 2 submissions from 2 submitters: Uncertain significance (2). Last evaluated 2025-02-09.

Conditions:
Fanconi anemia (FA). Also called: Fanconi's anemia. Identifiers: Orphanet 84, MedGen C0015625, MeSH D005199, MONDO:0019391.
Inborn genetic diseases. Identifiers: MedGen C0950123, MeSH D030342.

gnomAD v4.1: 1 of 1,601,498 alleles (0.000062%); highest among the groups gnomAD compares: Non-Finnish European, 0.000085%; no homozygotes.

Submissions (2):

Ambry Genetics
Classification: Uncertain significance for Inborn genetic diseases. Last evaluated: 2025-02-09. Review status: criteria provided, single submitter. Criteria: Ambry Variant Classification Scheme 2023. Collection method: clinical testing. Allele origin: germline.
Comment: The p.D1257E variant (also known as c.3771T>G), located in coding exon 14 of the FANCM gene, results from a T to G substitution at nucleotide position 3771. The aspartic acid at codon 1257 is replaced by glutamic acid, an amino acid with highly similar properties. This amino acid position is conserved. In addition, this alteration is predicted to be tolerated by in silico analysis. Based on the available evidence, the clinical significance of this variant remains unclear.

Labcorp Genetics (formerly Invitae), Labcorp
Classification: Uncertain significance for Fanconi anemia. Last evaluated: 2024-02-06. Review status: criteria provided, single submitter. Criteria: Invitae Variant Classification Sherloc (09022015). Collection method: clinical testing. Allele origin: germline.
Comment: This sequence change replaces aspartic acid, which is acidic and polar, with glutamic acid, which is acidic and polar, at codon 1257 of the FANCM protein (p.Asp1257Glu). This variant is not present in population databases (gnomAD no frequency). This variant has not been reported in the literature in individuals affected with FANCM-related conditions. An algorithm developed to predict the effect of missense changes on protein structure and function (PolyPhen-2) suggests that this variant is likely to be tolerated. In summary, the available evidence is currently insufficient to determine the role of this variant in disease. Therefore, it has been classified as a Variant of Uncertain Significance.

NM_020937.4(FANCM):c.3771T>G (p.Asp1257Glu)

Gene: FANCM (FA complementation group M; plus strand). Cytogenetic location: 14q21.2.
Variant type: single nucleotide variant.
Coding change: c.3771T>G on transcript NM_020937.4 (MANE Select); coding-DNA position 3771, T replaced by G.
Protein change: p.Asp1257Glu; replaces aspartic acid 1257 with glutamic acid.
Molecular consequence: missense variant.
Genome position (GRCh38, 1-based): chr14:45,176,525, T>G. VCF-style: chr14-45176525-T-G. GRCh37 (hg19) VCF-style: chr14-45645728-T-G.
Other names: c.3693T>G, p.Asp1231Glu (NM_001308133.2); short protein forms D1231E, D1257E.
Identifiers: ClinVar variation 3627752 (VCV003627752.3).